The following is an entry in ClinVar:

NM_020639.3(RIPK4):c.1617G>A (p.Thr539=)

Gene: RIPK4 (receptor interacting serine/threonine kinase 4; minus strand). Cytogenetic location: 21q22.3.
Variant type: single nucleotide variant.
Coding change: c.1617G>A on transcript NM_020639.3 (MANE Select); coding-DNA position 1617, G replaced by A.
Protein change: p.Thr539=; no amino-acid change (threonine 539 retained).
Molecular consequence: synonymous variant.
Genome position (GRCh38, 1-based): chr21:41,741,576, C>T on the plus strand (G>A on the coding strand, the complement: RIPK4 is on the minus strand). VCF-style: chr21-41741576-C-T. GRCh37 (hg19) VCF-style: chr21-43161736-C-T.
Identifiers: ClinVar variation 340017 (VCV000340017.15), dbSNP rs61740535, ClinGen allele CA10035257.

ClinVar aggregate classification (germline): Benign/Likely benign. Review status: criteria provided, multiple submitters, no conflicts (2 of 4 stars). 6 submissions from 6 submitters: Benign (2); Likely benign (3). 1 of the submissions does not count toward it. Last evaluated 2026-09-01.

Conditions:
RIPK4-related disorder. Also called: RIPK4-related condition.
Bartsocas-Papas syndrome 1. Also called: MULTIPLE PTERYGIUM SYNDROME, ASLAN TYPE; Bartsocas-Papas syndrome; PTERYGIUM, POPLITEAL, LETHAL TYPE. Identifiers: Orphanet 1234, MedGen C1849718, MONDO:0009901, OMIM 263650.

Allele frequency attached by ClinVar (database versions not stated): gnomAD exomes 0.00054 and 0.00128; ExAC 0.00145; gnomAD 0.00383 and 0.00411; ESP Exome Variant Server 0.00400; TOPMed 0.00422; 1000 Genomes Project 0.00499; 1000 Genomes Project 30x 0.00531.
gnomAD v4.1: 1,430 of 1,611,808 alleles (0.089%); highest among the groups gnomAD compares: African/African-American, 1.3%; 12 homozygotes.

Submissions (6):

CeGaT Center for Human Genetics Tuebingen
Classification: Likely benign. Last evaluated: 2026-09-01. Review status: criteria provided, single submitter. Criteria: CeGaT Center For Human Genetics Tuebingen Variant Classification Criteria Version 2. Collection method: clinical testing. Allele origin: germline. Affected: yes. Observed: 1 variant allele.
Comment: RIPK4: BP4, BP7, BS1

GeneDx
Classification: Likely benign. Last evaluated: 2020-10-23. Review status: criteria provided, single submitter. Criteria: GeneDx Variant Classification Process June 2021. Collection method: clinical testing. Allele origin: germline. Affected: yes.

Labcorp Genetics (formerly Invitae), Labcorp
Classification: Benign. Last evaluated: 2019-12-31. Review status: criteria provided, single submitter. Criteria: Invitae Variant Classification Sherloc (09022015). Collection method: clinical testing. Allele origin: germline.

Illumina Laboratory Services, Illumina
Classification: Benign for Bartsocas-Papas syndrome 1. Last evaluated: 2018-01-13. Review status: criteria provided, single submitter. Criteria: ICSL Variant Classification Criteria 13 December 2019. Collection method: clinical testing. Allele origin: germline.
Comment: This variant was observed in the ICSL laboratory as part of a predisposition screen in an ostensibly healthy population. It had not been previously curated by ICSL or reported in the Human Gene Mutation Database (HGMD: prior to June 1st, 2018), and was therefore a candidate for classification through an automated scoring system. Utilizing variant allele frequency, disease prevalence and penetrance estimates, and inheritance mode, an automated score was calculated to assess if this variant is too frequent to cause the disease. Based on the score and internal cut-off values, a variant classified as benign is not then subjected to further curation. The score for this variant resulted in a classification of benign for this disease.

Breakthrough Genomics
Classification: Likely benign. Review status: criteria provided, single submitter. Criteria: ACMG Guidelines, 2015. Collection method: not provided. Allele origin: germline. Inheritance: Autosomal recessive inheritance. Affected: yes.

PreventionGenetics, part of Exact Sciences
Classification: Benign for RIPK4-related condition. Last evaluated: 2019-05-16. Review status: no assertion criteria provided. Collection method: clinical testing. Allele origin: germline. Not counted in ClinVar's aggregate classification.
Comment: This variant is classified as benign based on ACMG/AMP sequence variant interpretation guidelines (Richards et al. 2015 PMID: 25741868, with internal and published modifications).